The following is an entry in ClinVar:

NM_001282225.2(ADA2):c.1004A>G (p.His335Arg)

Gene: ADA2 (adenosine deaminase 2; minus strand). Cytogenetic location: 22q11.1.
Variant type: single nucleotide variant.
Coding change: c.1004A>G on transcript NM_001282225.2 (MANE Select); coding-DNA position 1004, A replaced by G.
Protein change: p.His335Arg; replaces histidine 335 with arginine.
Molecular consequence: missense variant.
Genome position (GRCh38, 1-based): chr22:17,188,416, T>C on the plus strand (A>G on the coding strand, the complement: ADA2 is on the minus strand). VCF-style: chr22-17188416-T-C. GRCh37 (hg19) VCF-style: chr22-17669306-T-C.
Other names: p.His335Arg; c.1004A>G, p.His335Arg (NM_001282226.2); c.878A>G, p.His293Arg (NM_001282227.2, NM_001282228.2); c.644A>G, p.His215Arg (NM_001282229.2); c.281A>G, p.His94Arg (NM_177405.3); short protein forms H215R, H293R, H335R, H94R.
Identifiers: ClinVar variation 1168873 (VCV001168873.18), dbSNP rs2231495, ClinGen allele CA10088001.

ClinVar aggregate classification (germline): Benign/Likely benign. Review status: criteria provided, multiple submitters, no conflicts (2 of 4 stars). 7 submissions from 7 submitters: Benign (5); Likely benign (2). Last evaluated 2026-02-04.

Conditions:
Deficiency of adenosine deaminase 2. Also called: Polyarteritis nodosa, childhoood-onset; Adenosine Deaminase 2 Deficiency; VASCULITIS, AUTOINFLAMMATION, IMMUNODEFICIENCY, AND HEMATOLOGIC DEFECTS SYNDROME. Identifiers: Orphanet 404553, MedGen C3887654, MONDO:0014306, OMIM 615688, MONDO:0100317.

Allele frequency attached by ClinVar (database versions not stated): ESP Exome Variant Server 0.40558; 1000 Genomes Project 30x 0.36415; 1000 Genomes Project 0.36462; TOPMed 0.39737.
gnomAD v4.1: 542,284 of 1,611,952 alleles (34%); highest among the groups gnomAD compares: African/African-American, 55%; 94,070 homozygotes.

Submissions (7):

Labcorp Genetics (formerly Invitae), Labcorp
Classification: Benign for Deficiency of adenosine deaminase 2. Last evaluated: 2026-02-04. Review status: criteria provided, single submitter. Criteria: Invitae Variant Classification Sherloc (09022015). Collection method: clinical testing. Allele origin: germline.

Women's Health and Genetics/Laboratory Corporation of America, LabCorp
Classification: Likely benign. Last evaluated: 2026-01-21. Review status: criteria provided, single submitter. Criteria: LabCorp Variant Classification Summary - May 2015. Collection method: clinical testing. Allele origin: germline.

Blueprint Genetics
Classification: Likely benign. Last evaluated: 2024-11-28. Review status: criteria provided, single submitter. Criteria: ACMG Guidelines, 2015. Collection method: clinical testing. Allele origin: germline.

Unidad de Genómica Garrahan, Hospital de Pediatría Garrahan
Classification: Benign. Last evaluated: 2023-11-12. Review status: criteria provided, single submitter. Criteria: ACMG Guidelines, 2015. Collection method: clinical testing. Allele origin: germline. Affected: no. Observed: 51 variant alleles.
Comment: This variant is classified as Benign based on local population frequency. This variant was detected in 53% of patients studied by a panel of primary immunodeficiencies. Number of patients: 51. Only high quality variants are reported.

Mayo Clinic Laboratories, Mayo Clinic
Classification: Benign. Last evaluated: 2022-04-26. Review status: criteria provided, single submitter. Criteria: ACMG Guidelines, 2015. Collection method: clinical testing. Allele origin: germline. Observed: 681 variant alleles.

GeneDx
Classification: Benign. Last evaluated: 2018-11-01. Review status: criteria provided, single submitter. Criteria: GeneDx Variant Classification Process June 2021. Collection method: clinical testing. Allele origin: germline. Affected: yes.

Breakthrough Genomics
Classification: Benign. Review status: criteria provided, single submitter. Criteria: ACMG Guidelines, 2015. Collection method: not provided. Allele origin: germline. Inheritance: Autosomal recessive inheritance. Affected: yes.